The following is an entry in ClinVar:

NM_001130144.3(LTBP3):c.3450C>T (p.Gly1150=)

Gene: LTBP3 (latent transforming growth factor beta binding protein 3; minus strand). Cytogenetic location: 11q13.1.
Variant type: single nucleotide variant.
Coding change: c.3450C>T on transcript NM_001130144.3 (MANE Select); coding-DNA position 3450, C replaced by T.
Protein change: p.Gly1150=; no amino-acid change (glycine 1150 retained).
Molecular consequence: synonymous variant.
Genome position (GRCh38, 1-based): chr11:65,539,817, G>A on the plus strand (C>T on the coding strand, the complement: LTBP3 is on the minus strand). VCF-style: chr11-65539817-G-A. GRCh37 (hg19) VCF-style: chr11-65307288-G-A.
Other names: c.2958C>T, p.Gly986= (NM_001164266.1); c.3309C>T, p.Gly1103= (NM_021070.4).
Identifiers: ClinVar variation 783098 (VCV000783098.12), dbSNP rs988974106, ClinGen allele CA224008781.

ClinVar aggregate classification (germline): Likely benign. Review status: criteria provided, multiple submitters, no conflicts (2 of 4 stars). 3 submissions from 3 submitters: Likely benign (2). 1 of the submissions does not count toward it. Last evaluated 2025-12-29.

Conditions:
LTBP3-related disorder. Also called: LTBP3-related condition.
Inborn genetic diseases. Identifiers: MedGen C0950123, MeSH D030342.
Brachyolmia-amelogenesis imperfecta syndrome. Also called: PLATYSPONDYLY WITH AMELOGENESIS IMPERFECTA; Tooth agenesis, selective, 6; Dental anomalies and short stature. Identifiers: Orphanet 2899, MedGen C1832594, MONDO:0011018, OMIM 601216. Disease mechanism: loss of function.

Allele frequency attached by ClinVar (database versions not stated): TOPMed 0.00004; gnomAD 0.00005 and 0.00006; gnomAD exomes 0.00005.
gnomAD v4.1: 181 of 1,532,598 alleles (0.012%); highest among the groups gnomAD compares: Non-Finnish European, 0.015%; no homozygotes.

Submissions (3):

Labcorp Genetics (formerly Invitae), Labcorp
Classification: Likely benign for Brachyolmia-amelogenesis imperfecta syndrome. Last evaluated: 2025-12-29. Review status: criteria provided, single submitter. Criteria: Invitae Variant Classification Sherloc (09022015). Collection method: clinical testing. Allele origin: germline.

Ambry Genetics
Classification: Likely benign for Inborn genetic diseases. Last evaluated: 2022-03-30. Review status: criteria provided, single submitter. Criteria: Ambry Variant Classification Scheme 2023. Collection method: clinical testing. Allele origin: germline.

PreventionGenetics, part of Exact Sciences
Classification: Likely benign for LTBP3-related condition. Last evaluated: 2023-01-19. Review status: no assertion criteria provided. Collection method: clinical testing. Allele origin: germline. Not counted in ClinVar's aggregate classification.
Comment: This variant is classified as likely benign based on ACMG/AMP sequence variant interpretation guidelines (Richards et al. 2015 PMID: 25741868, with internal and published modifications).